The following is an entry in ClinVar:

ClinVar aggregate classification (germline): Uncertain significance (1 of 4 stars; one submission).

Allele frequency attached by ClinVar (database versions not stated): gnomAD exomes below 0.00001.
gnomAD v4.1: 2 of 1,459,486 alleles (0.00014%); highest among the groups gnomAD compares: South Asian, 0.0028%; no homozygotes.

Submission:

GeneDx
Classification: Uncertain significance. Last evaluated: 2022-04-19. Review status: criteria provided, single submitter. Criteria: GeneDx Variant Classification Process June 2021. Collection method: clinical testing. Allele origin: germline. Affected: yes.
Comment: Not observed at significant frequency in large population cohorts (gnomAD); In silico analysis supports that this missense variant has a deleterious effect on protein structure/function; Has not been previously published as pathogenic or benign to our knowledge

NM_001127222.2(CACNA1A):c.2933G>C (p.Arg978Pro)

Gene: CACNA1A (calcium voltage-gated channel subunit alpha1 A; minus strand). Cytogenetic location: 19p13.13.
Variant type: single nucleotide variant.
Coding change: c.2933G>C on transcript NM_001127222.2 (MANE Select); coding-DNA position 2933, G replaced by C.
Protein change: p.Arg978Pro; replaces arginine 978 with proline.
Molecular consequence: missense variant.
Genome position (GRCh38, 1-based): chr19:13,298,700, C>G on the plus strand (G>C on the coding strand, the complement: CACNA1A is on the minus strand). VCF-style: chr19-13298700-C-G. GRCh37 (hg19) VCF-style: chr19-13409514-C-G.
Other names: c.2945G>C, p.Arg982Pro (NM_000068.4, NM_023035.3); c.2936G>C, p.Arg979Pro (NM_001127221.2, NM_001174080.2); short protein forms R978P, R979P, R982P.
Identifiers: ClinVar variation 1712233 (VCV001712233.2), dbSNP rs1248180253, ClinGen allele CA404342417.